The following is an entry in ClinVar:

ClinVar aggregate classification (germline): Uncertain significance (1 of 4 stars; one submission).

Conditions:
Inborn genetic diseases. Identifiers: MedGen C0950123, MeSH D030342.

Submission:

Ambry Genetics
Classification: Uncertain significance for Inborn genetic diseases. Last evaluated: 2024-12-20. Review status: criteria provided, single submitter. Criteria: Ambry Variant Classification Scheme 2023. Collection method: clinical testing. Allele origin: germline.
Comment: The p.P304H variant (also known as c.911C>A), located in coding exon 6 of the G6PC3 gene, results from a C to A substitution at nucleotide position 911. The proline at codon 304 is replaced by histidine, an amino acid with similar properties. This amino acid position is conserved. In addition, the in silico prediction for this alteration is inconclusive. Based on the available evidence, the clinical significance of this variant remains unclear.

NM_138387.4(G6PC3):c.911C>A (p.Pro304His)

Gene: G6PC3 (glucose-6-phosphatase catalytic subunit 3; plus strand). Cytogenetic location: 17q21.31.
Variant type: single nucleotide variant.
Coding change: c.911C>A on transcript NM_138387.4 (MANE Select); coding-DNA position 911, C replaced by A.
Protein change: p.Pro304His; replaces proline 304 with histidine.
Molecular consequence: missense variant. On other transcripts: 3 prime UTR variant (1).
Genome position (GRCh38, 1-based): chr17:44,075,913, C>A. VCF-style: chr17-44075913-C-A. GRCh37 (hg19) VCF-style: chr17-42153281-C-A.
Other names: c.*204C>A (NM_001319945.2); c.566C>A, p.Pro189His (NM_001384165.1, NM_001384166.1, NM_001384167.1 and 1 more transcripts); short protein forms P304H, P189H.
Identifiers: ClinVar variation 3852331 (VCV003852331.1).